The following is an entry in ClinVar:

ClinVar aggregate classification (germline): Uncertain significance (1 of 4 stars; one submission).

Conditions:
Charcot-Marie-Tooth disease dominant intermediate B (CMTDIB). Also called: CHARCOT-MARIE-TOOTH NEUROPATHY, DOMINANT INTERMEDIATE B; Charcot-Marie-Tooth disease dominant intermediate 1; CMT DI1; Charcot-Marie-Tooth disease dominant intermediate I. Identifiers: Orphanet 100044, Orphanet 228179, MedGen C1847902, MONDO:0011674, OMIM 606482.

Allele frequency attached by ClinVar (database versions not stated): gnomAD exomes 0.00001.
gnomAD v4.1: 2 of 1,517,252 alleles (0.00013%); highest among the groups gnomAD compares: Admixed American, 0.0043%; no homozygotes.

Submission:

Labcorp Genetics (formerly Invitae), Labcorp
Classification: Uncertain significance for Charcot-Marie-Tooth disease dominant intermediate B. Last evaluated: 2021-12-02. Review status: criteria provided, single submitter. Criteria: Invitae Variant Classification Sherloc (09022015). Collection method: clinical testing. Allele origin: germline.
Comment: This sequence change replaces aspartic acid, which is acidic and polar, with asparagine, which is neutral and polar, at codon 30 of the DNM2 protein (p.Asp30Asn). The frequency data for this variant in the population databases is considered unreliable, as metrics indicate poor data quality at this position in the gnomAD database. This variant has not been reported in the literature in individuals affected with DNM2-related conditions. Algorithms developed to predict the effect of missense changes on protein structure and function are either unavailable or do not agree on the potential impact of this missense change (SIFT: "Deleterious"; PolyPhen-2: "Benign"; Align-GVGD: "Class C0"). In summary, the available evidence is currently insufficient to determine the role of this variant in disease. Therefore, it has been classified as a Variant of Uncertain Significance.

NM_001005361.3(DNM2):c.88G>A (p.Asp30Asn)

Genes: DNM2 (dynamin 2; plus strand), LOC130063529 (ATAC-STARR-seq lymphoblastoid silent region 10090; plus strand). Cytogenetic location: 19p13.2.
Variant type: single nucleotide variant.
Coding change: c.88G>A on transcript NM_001005361.3 (MANE Select); coding-DNA position 88, G replaced by A.
Protein change: p.Asp30Asn; replaces aspartic acid 30 with asparagine.
Molecular consequence: missense variant.
Genome position (GRCh38, 1-based): chr19:10,718,330, G>A. VCF-style: chr19-10718330-G-A. GRCh37 (hg19) VCF-style: chr19-10829006-G-A.
Other names: c.88G>A, p.Asp30Asn (NM_001005360.3, NM_001005362.3, NM_001190716.2 and 1 more transcripts); short protein forms D30N.
Identifiers: ClinVar variation 1362139 (VCV001362139.6), dbSNP rs1344949726, ClinGen allele CA404046636.